The following is an entry in ClinVar:

NM_021072.4(HCN1):c.142G>A (p.Ala48Thr)

Gene: HCN1 (hyperpolarization activated cyclic nucleotide gated potassium channel 1; minus strand). Cytogenetic location: 5p12.
Variant type: single nucleotide variant.
Coding change: c.142G>A on transcript NM_021072.4 (MANE Select); coding-DNA position 142, G replaced by A.
Protein change: p.Ala48Thr; replaces alanine 48 with threonine.
Molecular consequence: missense variant.
Genome position (GRCh38, 1-based): chr5:45,695,952, C>T on the plus strand (G>A on the coding strand, the complement: HCN1 is on the minus strand). VCF-style: chr5-45695952-C-T. GRCh37 (hg19) VCF-style: chr5-45696054-C-T.
Other names: short protein forms A48T.
Identifiers: ClinVar variation 4527735 (VCV004527735.1).

ClinVar aggregate classification (germline): Uncertain significance (1 of 4 stars; one submission).

Submission:

GeneDx
Classification: Uncertain significance. Last evaluated: 2025-04-29. Review status: criteria provided, single submitter. Criteria: GeneDx Variant Classification Process June 2021. Collection method: clinical testing. Allele origin: germline. Affected: yes.
Comment: Not observed at significant frequency in large population cohorts (gnomAD); In silico analysis indicates that this missense variant does not alter protein structure/function; Has not been previously published as pathogenic or benign to our knowledge